The following is an entry in ClinVar:

ClinVar aggregate classification (germline): Pathogenic (1 of 4 stars; one submission).

Conditions:
Glucose-6-phosphate transport defect (GSD1B). Also called: Glycogen Storage Disease Type Ib; GSD Ib. Identifiers: Orphanet 364, Orphanet 79259, MedGen C0268146, MONDO:0009288, OMIM 232220.

Submission:

Labcorp Genetics (formerly Invitae), Labcorp
Classification: Pathogenic for Glucose-6-phosphate transport defect. Last evaluated: 2024-01-29. Review status: criteria provided, single submitter. Criteria: Invitae Variant Classification Sherloc (09022015). Collection method: clinical testing. Allele origin: germline.
Comment: This sequence change creates a premature translational stop signal (p.Thr321Serfs*4) in the SLC37A4 gene. It is expected to result in an absent or disrupted protein product. Loss-of-function variants in SLC37A4 are known to be pathogenic (PMID: 9758626, 10940311). This variant is not present in population databases (gnomAD no frequency). This variant has not been reported in the literature in individuals affected with SLC37A4-related conditions. ClinVar contains an entry for this variant (Variation ID: 2104175). Algorithms developed to predict the effect of sequence changes on RNA splicing suggest that this variant may disrupt the consensus splice site. For these reasons, this variant has been classified as Pathogenic.

Literature cited by the submitters: PubMed 9758626; PubMed 10940311.

NM_001164277.2(SLC37A4):c.962_963del (p.Thr321fs)

Gene: SLC37A4 (solute carrier family 37 member 4; minus strand). Cytogenetic location: 11q23.3.
Variant type: Deletion.
Coding change: c.962_963del on transcript NM_001164277.2 (MANE Select); coding-DNA positions 962 to 963, 2 bases deleted (CA; older notation c.962_963delCA).
Protein change: p.Thr321fs; shifts the reading frame from threonine 321.
Molecular consequence: frameshift variant.
Genome position (GRCh38, 1-based): chr11:119,025,988-119,025,989, TG deleted on the plus strand (CA on the coding strand, the reverse complement: SLC37A4 is on the minus strand); deleting any 2 consecutive bases within chr11:119,025,988-119,025,990 gives the same sequence; the c. name uses the placement nearest the transcript's 3' end. VCF-style (leftmost placement, unchanged base first): chr11-119025987-CTG-C. GRCh37 (hg19) VCF-style: chr11-118896697-CTG-C.
Other names: c.962_963del, p.Thr321fs (NM_001164278.2, NM_001164280.2, NM_001467.6); c.743_744del, p.Thr248fs (NM_001164279.2); short protein forms T321fs, T248fs.
Identifiers: ClinVar variation 2104175 (VCV002104175.4), dbSNP rs2497017391, ClinGen allele CA2580083653.